The following is an entry in ClinVar:

ClinVar aggregate classification (germline): Conflicting classifications of pathogenicity. Review status: criteria provided, conflicting classifications (1 of 4 stars). 2 submissions from 2 submitters: Uncertain significance (1); Likely benign (1). Last evaluated 2025-12-30.

Conditions:
Spastic paraplegia. Identifiers: MedGen C0037772, HP:0001258.

Allele frequency attached by ClinVar (database versions not stated): gnomAD 0.00001; gnomAD exomes 0.00001 and 0.00003; TOPMed 0.00001; ExAC 0.00002.
gnomAD v4.1: 50 of 1,613,410 alleles (0.0031%); highest among the groups gnomAD compares: Non-Finnish European, 0.0041%; no homozygotes.

Submissions (2):

Labcorp Genetics (formerly Invitae), Labcorp
Classification: Likely benign for Spastic paraplegia. Last evaluated: 2025-12-30. Review status: criteria provided, single submitter. Criteria: Invitae Variant Classification Sherloc (09022015). Collection method: clinical testing. Allele origin: germline.

GeneDx
Classification: Uncertain significance. Last evaluated: 2022-02-01. Review status: criteria provided, single submitter. Criteria: GeneDx Variant Classification Process June 2021. Collection method: clinical testing. Allele origin: germline. Affected: yes.
Comment: Not observed at significant frequency in large population cohorts (gnomAD); In silico analysis supports that this missense variant does not alter protein structure/function; Has not been previously published as pathogenic or benign to our knowledge

NM_014363.6(SACS):c.9292A>G (p.Ile3098Val)

Gene: SACS (sacsin molecular chaperone; minus strand). Cytogenetic location: 13q12.12.
Variant type: single nucleotide variant.
Coding change: c.9292A>G on transcript NM_014363.6 (MANE Select); coding-DNA position 9292, A replaced by G.
Protein change: p.Ile3098Val; replaces isoleucine 3098 with valine.
Molecular consequence: missense variant.
Genome position (GRCh38, 1-based): chr13:23,334,584, T>C on the plus strand (A>G on the coding strand, the complement: SACS is on the minus strand). VCF-style: chr13-23334584-T-C. GRCh37 (hg19) VCF-style: chr13-23908723-T-C.
Other names: c.8851A>G, p.Ile2951Val (NM_001278055.2); short protein forms I3098V, I2951V.
Identifiers: ClinVar variation 240905 (VCV000240905.10), dbSNP rs745664974, ClinGen allele CA6910640.
Genomic context (GRCh38, chr13:23,334,584, plus strand): 5'-GCAGCTTCCCAATATGGCAATTAGTGTCAGGAGAGGAAAATGTCATTAAAAAAGATCTGA[T>C]ATCAGCAGGGGTCACATAACTAACAGGAATATCTGCATCTATAAGACAGTGGTAAAGATT-3'
Protein context (NP_055178.3, residues 3088-3108): IPVSYVTPAD[Ile3098Val]RSFLMTFSSP